The following is an entry in ClinVar:

ClinVar aggregate classification (germline): Uncertain significance (1 of 4 stars; one submission).

Allele frequency attached by ClinVar (database versions not stated): TOPMed below 0.00001; gnomAD 0.00001; gnomAD exomes 0.00001; 1000 Genomes Project 30x 0.00016; 1000 Genomes Project 0.00020.
gnomAD v4.1: 5 of 1,607,406 alleles (0.00031%); highest among the groups gnomAD compares: East Asian, 0.011%; no homozygotes.

Submission:

Labcorp Genetics (formerly Invitae), Labcorp
Classification: Uncertain significance. Last evaluated: 2021-11-24. Review status: criteria provided, single submitter. Criteria: Invitae Variant Classification Sherloc (09022015). Collection method: clinical testing. Allele origin: germline.
Comment: This sequence change replaces phenylalanine, which is neutral and non-polar, with serine, which is neutral and polar, at codon 725 of the MYO18B protein (p.Phe725Ser). This variant is present in population databases (rs551223528, gnomAD 0.02%). This variant has not been reported in the literature in individuals affected with MYO18B-related conditions. Algorithms developed to predict the effect of missense changes on protein structure and function are either unavailable or do not agree on the potential impact of this missense change (SIFT: "Not Available"; PolyPhen-2: "Probably Damaging"; Align-GVGD: "Not Available"). In summary, the available evidence is currently insufficient to determine the role of this variant in disease. Therefore, it has been classified as a Variant of Uncertain Significance.

NM_032608.7(MYO18B):c.2174T>C (p.Phe725Ser)

Gene: MYO18B (myosin XVIIIB; plus strand). Cytogenetic location: 22q12.1.
Variant type: single nucleotide variant.
Coding change: c.2174T>C on transcript NM_032608.7 (MANE Select); coding-DNA position 2174, T replaced by C.
Protein change: p.Phe725Ser; replaces phenylalanine 725 with serine.
Molecular consequence: missense variant.
Genome position (GRCh38, 1-based): chr22:25,780,161, T>C. VCF-style: chr22-25780161-T-C. GRCh37 (hg19) VCF-style: chr22-26176128-T-C.
Other names: c.2174T>C, p.Phe725Ser (NM_001318245.2); short protein forms F725S.
Identifiers: ClinVar variation 1381750 (VCV001381750.6), dbSNP rs551223528, ClinGen allele CA322764404.
Genomic context (GRCh38, chr22:25,780,161, plus strand): 5'-CTGTGTCCATGGCCCACAGCCGCAGTGCCACCCGGTTCTCCATGGTGATGTCGCTGGACT[T>C]CAACGCTACAGGCCGCATCACAGCTGCTCAGCTCCAGGTGAGGCCTCTCGGGGGATGTGC-3'
Protein context (NP_115997.5, residues 715-735): TRFSMVMSLD[Phe725Ser]NATGRITAAQ